The following is an entry in ClinVar:

NM_000156.6(GAMT):c.292C>T (p.Arg98Trp)

Gene: GAMT (guanidinoacetate N-methyltransferase; minus strand). Cytogenetic location: 19p13.3.
Variant type: single nucleotide variant.
Coding change: c.292C>T on transcript NM_000156.6 (MANE Select); coding-DNA position 292, C replaced by T.
Protein change: p.Arg98Trp; replaces arginine 98 with tryptophan.
Molecular consequence: missense variant.
Genome position (GRCh38, 1-based): chr19:1,399,828, G>A on the plus strand (C>T on the coding strand, the complement: GAMT is on the minus strand). VCF-style: chr19-1399828-G-A. GRCh37 (hg19) VCF-style: chr19-1399827-G-A.
Other names: c.292C>T, p.Arg98Trp (NM_138924.3); short protein forms R98W.
Identifiers: ClinVar variation 431854 (VCV000431854.16), dbSNP rs765070826, ClinGen allele CA9043747.

ClinVar aggregate classification (germline): Uncertain significance. Review status: criteria provided, multiple submitters, no conflicts (2 of 4 stars). 6 submissions from 6 submitters: Uncertain significance (5). 1 of the submissions does not count toward it. Last evaluated 2025-07-11.

Conditions:
Inborn genetic diseases. Identifiers: MedGen C0950123, MeSH D030342.
Cerebral creatine deficiency syndrome. Also called: Creatine deficiency syndromes. Identifiers: Orphanet 79172, MedGen C5244016, MONDO:0000456.
Deficiency of guanidinoacetate methyltransferase (CCDS2). Also called: GAMT DEFICIENCY; Guanidinoacetate Methyltransferase (GAMT) Deficiency; CEREBRAL CREATINE DEFICIENCY SYNDROME 2. Identifiers: Orphanet 382, MedGen C0574080, MONDO:0012999, OMIM 612736.

Allele frequency attached by ClinVar (database versions not stated): gnomAD 0.00003; gnomAD exomes 0.00007; TOPMed 0.00005; ExAC 0.00019.

Submissions (6):

GeneDx
Classification: Uncertain significance. Last evaluated: 2025-07-11. Review status: criteria provided, single submitter. Criteria: GeneDx Variant Classification Process June 2021. Collection method: clinical testing. Allele origin: germline. Affected: yes.
Comment: In silico analysis supports that this missense variant has a deleterious effect on protein structure/function; Has not been previously published as pathogenic or benign to our knowledge

Ambry Genetics
Classification: Uncertain significance for Inborn genetic diseases. Last evaluated: 2024-02-21. Review status: criteria provided, single submitter. Criteria: Ambry Variant Classification Scheme 2023. Collection method: clinical testing. Allele origin: germline.

Labcorp Genetics (formerly Invitae), Labcorp
Classification: Uncertain significance for Cerebral creatine deficiency syndrome. Last evaluated: 2022-09-06. Review status: criteria provided, single submitter. Criteria: Invitae Variant Classification Sherloc (09022015). Collection method: clinical testing. Allele origin: germline.
Comment: This sequence change replaces arginine, which is basic and polar, with tryptophan, which is neutral and slightly polar, at codon 98 of the GAMT protein (p.Arg98Trp). The frequency data for this variant in the population databases is considered unreliable, as metrics indicate poor data quality at this position in the gnomAD database. This variant has not been reported in the literature in individuals affected with GAMT-related conditions. ClinVar contains an entry for this variant (Variation ID: 431854). Algorithms developed to predict the effect of missense changes on protein structure and function are either unavailable or do not agree on the potential impact of this missense change (SIFT: "Deleterious"; PolyPhen-2: "Probably Damaging"; Align-GVGD: "Class C15"). In summary, the available evidence is currently insufficient to determine the role of this variant in disease. Therefore, it has been classified as a Variant of Uncertain Significance.

Athena Diagnostics
Classification: Uncertain significance. Last evaluated: 2019-01-04. Review status: criteria provided, single submitter. Criteria: Athena Diagnostics Criteria. Collection method: clinical testing. Allele origin: germline.

Center for Pediatric Genomic Medicine, Children's Mercy Hospital and Clinics
Classification: Uncertain significance. Last evaluated: 2017-06-23. Review status: criteria provided, single submitter. Criteria: ACMG Guidelines, 2015. Collection method: clinical testing. Allele origin: germline.

Natera, Inc.
Classification: Uncertain significance for Guanidinoacetate methyltransferase deficiency. Last evaluated: 2020-01-24. Review status: no assertion criteria provided. Collection method: clinical testing. Allele origin: germline. Not counted in ClinVar's aggregate classification.